The following is an entry in ClinVar:

NM_004281.4(BAG3):c.654del (p.Pro219fs)

Gene: BAG3 (BAG cochaperone 3; plus strand). Cytogenetic location: 10q26.11.
Variant type: Deletion.
Coding change: c.654del on transcript NM_004281.4 (MANE Select); coding-DNA position 654, one base deleted (G; older notation c.654delG).
Protein change: p.Pro219fs; shifts the reading frame from proline 219.
Molecular consequence: frameshift variant.
Genome position (GRCh38, 1-based): chr10:119,672,401, G deleted; the last of 2 consecutive G bases (chr10:119,672,400-119,672,401); deleting either gives the same sequence. VCF-style (leftmost placement, unchanged base first): chr10-119672399-CG-C. GRCh37 (hg19) VCF-style: chr10-121431911-CG-C.
Other names: short protein forms P219fs.
Identifiers: ClinVar variation 1076610 (VCV001076610.9), dbSNP rs2134065158, ClinGen allele CA2499220172.

ClinVar aggregate classification (germline): Pathogenic (1 of 4 stars; one submission).

Conditions:
Myofibrillar myopathy 6. Identifiers: Orphanet 199340, MedGen C2751831, MONDO:0013061, OMIM 612954.
Dilated cardiomyopathy 1HH (CMD1HH). Identifiers: Orphanet 154, MedGen C3151293, MONDO:0013479, OMIM 613881.

Submission:

Labcorp Genetics (formerly Invitae), Labcorp
Classification: Pathogenic for Dilated cardiomyopathy 1HH; Myofibrillar myopathy 6. Last evaluated: 2020-10-01. Review status: criteria provided, single submitter. Criteria: Invitae Variant Classification Sherloc (09022015). Collection method: clinical testing. Allele origin: germline.
Comment: This sequence change results in a premature translational stop signal in the BAG3 gene (p.Pro219Glnfs*88). While this is not anticipated to result in nonsense mediated decay, it is expected to disrupt the last 357 amino acid(s) of the BAG3 protein. For these reasons, this variant has been classified as Pathogenic. This variant disrupts the C-terminus of the BAG3 protein. Other variant(s) that disrupt this region (p.Lys450*) have been determined to be pathogenic (Invitae). This suggests that variants that disrupt this region of the protein are likely to be causative of disease. This variant has not been reported in the literature in individuals with BAG3-related conditions. This variant is not present in population databases (ExAC no frequency).